The following is an entry in ClinVar:

ClinVar aggregate classification (germline): Uncertain significance (1 of 4 stars; one submission).

Submission:

GeneDx
Classification: Uncertain significance. Last evaluated: 2023-01-03. Review status: criteria provided, single submitter. Criteria: GeneDx Variant Classification Process June 2021. Collection method: clinical testing. Allele origin: germline. Affected: yes.
Comment: Not observed at significant frequency in large population cohorts (gnomAD); In silico analysis supports that this missense variant does not alter protein structure/function; Has not been previously published as pathogenic or benign to our knowledge

NM_014727.3(KMT2B):c.1040G>T (p.Gly347Val)

Gene: KMT2B (lysine methyltransferase 2B; plus strand). Cytogenetic location: 19q13.12.
Variant type: single nucleotide variant.
Coding change: c.1040G>T on transcript NM_014727.3 (MANE Select); coding-DNA position 1040, G replaced by T.
Protein change: p.Gly347Val; replaces glycine 347 with valine.
Molecular consequence: missense variant.
Genome position (GRCh38, 1-based): chr19:35,720,387, G>T. VCF-style: chr19-35720387-G-T. GRCh37 (hg19) VCF-style: chr19-36211289-G-T.
Other names: short protein forms G347V.
Identifiers: ClinVar variation 2507374 (VCV002507374.1), dbSNP rs761638266, ClinGen allele CA405383832.